The following is an entry in ClinVar:

ClinVar aggregate classification (germline): Uncertain significance. Review status: criteria provided, multiple submitters, no conflicts (2 of 4 stars). 3 submissions from 3 submitters: Uncertain significance (3). Last evaluated 2024-06-24.

Conditions:
Hereditary breast ovarian cancer syndrome. Also called: Hereditary breast and ovarian cancer syndrome (HBOC); BRCA1- and BRCA2-Associated Hereditary Breast and Ovarian Cancer; Hereditary breast and/or ovarian cancer syndrome; Hereditary breast and ovarian cancer syndrome; Hereditary breast and ovarian cancer; Breast and ovarian cancer. Identifiers: Orphanet 145, MedGen C0677776, MeSH D061325, MONDO:0003582. Disease mechanism: loss of function.
Hereditary cancer-predisposing syndrome. Also called: Neoplastic Syndromes, Hereditary; Hereditary neoplastic syndrome; Tumor predisposition; Hereditary Cancer Syndrome. Identifiers: Orphanet 140162, MedGen C0027672, MeSH D009386, MONDO:0015356.

Allele frequency attached by ClinVar (database versions not stated): gnomAD exomes below 0.00001; TOPMed below 0.00001.
gnomAD v4.1: 1 of 1,613,574 alleles (0.000062%); highest among the groups gnomAD compares: African/African-American, 0.0013%; no homozygotes.

Submissions (4):

Ambry Genetics
Classification: Uncertain significance for Hereditary cancer-predisposing syndrome. Last evaluated: 2024-06-24. Review status: criteria provided, single submitter. Criteria: Ambry Variant Classification Scheme 2023. Collection method: clinical testing. Allele origin: germline.
Comment: The p.F43S variant (also known as c.128T>C), located in coding exon 2 of the BRCA1 gene, results from a T to C substitution at nucleotide position 128. The phenylalanine at codon 43 is replaced by serine, an amino acid with highly dissimilar properties. A BRCA1/BARD1 interaction assay showed that p.F43S performed similar to wild-type (Starita LM et al. Genetics, 2015 Jun;200:413-22). Another functional study found this nucleotide substitution to have intermediate function in a high throughput genome editing haploid cell survival assay (Findlay GM et al. Nature, 2018 10;562:217-222). This amino acid position is highly conserved in available vertebrate species. In addition, this alteration is predicted to be deleterious by in silico analysis. Based on the available evidence, the clinical significance of this variant remains unclear.

Labcorp Genetics (formerly Invitae), Labcorp
Classification: Uncertain significance for Hereditary breast ovarian cancer syndrome. Last evaluated: 2023-04-12. Review status: criteria provided, single submitter. Criteria: Invitae Variant Classification Sherloc (09022015). Collection method: clinical testing. Allele origin: germline.
Comment: In summary, the available evidence is currently insufficient to determine the role of this variant in disease. Therefore, it has been classified as a Variant of Uncertain Significance. Advanced modeling performed at Invitae incorporating data from internal and/or published experimental studies (PMID: 30209399) indicates that this missense variant is expected to disrupt BRCA1 function. ClinVar contains an entry for this variant (Variation ID: 441341). This variant has not been reported in the literature in individuals affected with BRCA1-related conditions. This variant is present in population databases (no rsID available, gnomAD 0.007%). This sequence change replaces phenylalanine, which is neutral and non-polar, with serine, which is neutral and polar, at codon 43 of the BRCA1 protein (p.Phe43Ser).

GeneDx
Classification: Uncertain significance. Last evaluated: 2020-10-16. Review status: criteria provided, single submitter. Criteria: GeneDx Variant Classification Process June 2021. Collection method: clinical testing. Allele origin: germline. Affected: yes.
Comment: In silico analysis supports that this missense variant has a deleterious effect on protein structure/function; Not observed at a significant frequency in large population cohorts (Lek 2016); Published functional studies are inconclusive:intermediate effect on survival in a haploid cell line (Findlay 2018); Also known as 247T>C; This variant is associated with the following publications: (PMID: 30209399)

Brotman Baty Institute, University of Washington
No classification provided (evidence only). Condition: Breast-ovarian cancer, familial 1. Review status: no classification provided. Collection method: in vitro. Allele origin: not applicable. Functional consequence: function_uncertain_variant. Not counted in ClinVar's aggregate classification.
ClinVar note: "not provided" was previously submitted as the classification for the variant. However, the classification appeared to be based only on an observation of functional data so it was converted to no classification on 2025-07-30.

Literature cited by the submitters: PubMed 25823446 (cited by Ambry Genetics); PubMed 30209399 (cited by Ambry Genetics and Labcorp Genetics (formerly Invitae), Labcorp).

NM_007294.4(BRCA1):c.128T>C (p.Phe43Ser)

Gene: BRCA1 (BRCA1 DNA repair associated; minus strand). Cytogenetic location: 17q21.31.
Variant type: single nucleotide variant.
Coding change: c.128T>C on transcript NM_007294.4 (MANE Select); coding-DNA position 128, T replaced by C.
Protein change: p.Phe43Ser; replaces phenylalanine 43 with serine.
Molecular consequence: missense variant. On other transcripts: non-coding transcript variant (1), intron variant (1).
Genome position (GRCh38, 1-based): chr17:43,115,732, A>G on the plus strand (T>C on the coding strand, the complement: BRCA1 is on the minus strand). VCF-style: chr17-43115732-A-G. GRCh37 (hg19) VCF-style: chr17-41267749-A-G.
Other names: c.128T>C, p.Phe43Ser (NM_001407585.1, NM_001407587.1, NM_001407590.1 and 192 more transcripts); c.-130T>C (NM_001407727.1, NM_001407731.1, NM_001407733.1 and 13 more transcripts); c.-14T>C (NM_001407728.1, NM_001407729.1, NM_001407730.1 and 47 more transcripts); c.-10T>C (NM_001407841.1); c.-61T>C (NM_001407853.1, NM_001407879.1, NM_001407882.1 and 52 more transcripts); c.-177T>C (NM_001407889.1, NM_001407900.1, NM_001408492.1); c.-176T>C (NM_001407960.1, NM_001407962.1, NM_001408510.1 and 1 more transcripts); c.-292T>C (NM_001407965.1); and 2 more; short protein forms F43S.
Identifiers: ClinVar variation 441341 (VCV000441341.18), dbSNP rs1298544053, ClinGen allele CA10601901.
Genomic context (GRCh38, chr17:43,115,732, plus strand): 5'-TGAAGGACAAAAACAAAAGCTAATAATGGAGCCACATAACACATTCAAACTTACTTGCAA[A>G]ATATGTGGTCACACTTTGTGGAGACAGGTTCCTTGATCAACTCCAGACTAGCAGGGTAGG-3'
Protein context (NP_009225.1, residues 33-53): EPVSTKCDHI[Phe43Ser]CKFCMLKLLN